The following is an entry in ClinVar:

ClinVar aggregate classification (germline): Uncertain significance. Review status: criteria provided, multiple submitters, no conflicts (2 of 4 stars). 2 submissions from 2 submitters: Uncertain significance (2). Last evaluated 2025-08-18.

Conditions:
Retinal dystrophy. Also called: Inherited retinal dystrophy. Identifiers: Orphanet 71862, MedGen C0854723, MeSH D058499, MONDO:0019118, HP:0000556.

Allele frequency attached by ClinVar (database versions not stated): gnomAD exomes 0.00001 and 0.00003; gnomAD 0.00002 and 0.00003; TOPMed 0.00003; ExAC 0.00004; 1000 Genomes Project 30x 0.00016; 1000 Genomes Project 0.00020.
gnomAD v4.1: 20 of 1,595,490 alleles (0.0013%); highest among the groups gnomAD compares: Admixed American, 0.011%; no homozygotes.

Submissions (2):

Labcorp Genetics (formerly Invitae), Labcorp
Classification: Uncertain significance. Last evaluated: 2025-08-18. Review status: criteria provided, single submitter. Criteria: Invitae Variant Classification Sherloc (09022015). Collection method: clinical testing. Allele origin: germline.
Comment: This sequence change replaces arginine, which is basic and polar, with tryptophan, which is neutral and slightly polar, at codon 352 of the ZNF408 protein (p.Arg352Trp). This variant is present in population databases (rs534022710, gnomAD 0.02%). This missense change has been observed in individual(s) with familial exudative vitreoretinopathy (PMID: 38280677). ClinVar contains an entry for this variant (Variation ID: 1417389). An algorithm developed to predict the effect of missense changes on protein structure and function (PolyPhen-2) suggests that this variant is likely to be disruptive. In summary, the available evidence is currently insufficient to determine the role of this variant in disease. Therefore, it has been classified as a Variant of Uncertain Significance.

Dept Of Ophthalmology, Nagoya University
Classification: Uncertain significance for Retinal dystrophy. Last evaluated: 2023-10-01. Review status: criteria provided, single submitter. Criteria: Submitter's publication. Collection method: research. Allele origin: germline. Affected: yes.

Literature cited by the submitters: PubMed 38280677 (cited by Labcorp Genetics (formerly Invitae), Labcorp).

NM_024741.3(ZNF408):c.1054C>T (p.Arg352Trp)

Gene: ZNF408 (zinc finger protein 408; plus strand). Cytogenetic location: 11p11.2.
Variant type: single nucleotide variant.
Coding change: c.1054C>T on transcript NM_024741.3 (MANE Select); coding-DNA position 1054, C replaced by T.
Protein change: p.Arg352Trp; replaces arginine 352 with tryptophan.
Molecular consequence: missense variant.
Genome position (GRCh38, 1-based): chr11:46,704,754, C>T. VCF-style: chr11-46704754-C-T. GRCh37 (hg19) VCF-style: chr11-46726304-C-T.
Other names: c.1030C>T, p.Arg344Trp (NM_001184751.2); short protein forms R344W, R352W.
Identifiers: ClinVar variation 1417389 (VCV001417389.7), dbSNP rs534022710, ClinGen allele CA5966486.
Genomic context (GRCh38, chr11:46,704,754, plus strand): 5'-TTCCCTACACTCTCGCGGAGCCCTCCTGGCCCAGCAGGAAGCTCCCCAAAGCAGGGGCGA[C>T]GGTACCGGTGTGGAGAGTGTGGCAAGGCATTCCTACAGCTGTGCCACCTAAAGAAGCACG-3'
Protein context (NP_079017.1, residues 342-362): PAGSSPKQGR[Arg352Trp]YRCGECGKAF